The following is an entry in ClinVar:

ClinVar aggregate classification (germline): Uncertain significance (1 of 4 stars; one submission).

Conditions:
Inborn genetic diseases. Identifiers: MedGen C0950123, MeSH D030342.

gnomAD v4.1: 3 of 1,613,694 alleles (0.00019%); highest among the groups gnomAD compares: Non-Finnish European, 0.00025%; no homozygotes.

Submission:

Ambry Genetics
Classification: Uncertain significance for Inborn genetic diseases. Last evaluated: 2026-03-12. Review status: criteria provided, single submitter. Criteria: Ambry Variant Classification Scheme 2023. Collection method: clinical testing. Allele origin: germline.
Comment: The p.A1180V variant (also known as c.3539C>T), located in coding exon 24 of the ANKRD26 gene, results from a C to T substitution at nucleotide position 3539. The alanine at codon 1180 is replaced by valine, an amino acid with similar properties. This amino acid position is conserved. In addition, this alteration is predicted to be tolerated by in silico analysis. Based on the available evidence, the clinical significance of this variant remains unclear.

NM_014915.3(ANKRD26):c.3539C>T (p.Ala1180Val)

Gene: ANKRD26 (ankyrin repeat domain 26; minus strand). Cytogenetic location: 10p12.1.
Variant type: single nucleotide variant.
Coding change: c.3539C>T on transcript NM_014915.3 (MANE Select); coding-DNA position 3539, C replaced by T.
Protein change: p.Ala1180Val; replaces alanine 1180 with valine.
Molecular consequence: missense variant.
Genome position (GRCh38, 1-based): chr10:27,034,911, G>A on the plus strand (C>T on the coding strand, the complement: ANKRD26 is on the minus strand). VCF-style: chr10-27034911-G-A. GRCh37 (hg19) VCF-style: chr10-27323840-G-A.
Other names: c.3536C>T, p.Ala1179Val (NM_001256053.2); short protein forms A1179V, A1180V.
Identifiers: ClinVar variation 4826430 (VCV004826430.1).